The following is an entry in ClinVar:

NM_006947.4(SRP72):c.1289C>T (p.Thr430Ile)

Gene: SRP72 (signal recognition particle 72; plus strand). Cytogenetic location: 4q12.
Variant type: single nucleotide variant.
Coding change: c.1289C>T on transcript NM_006947.4 (MANE Select); coding-DNA position 1289, C replaced by T.
Protein change: p.Thr430Ile; replaces threonine 430 with isoleucine.
Molecular consequence: missense variant. On other transcripts: non-coding transcript variant (1).
Genome position (GRCh38, 1-based): chr4:56,489,452, C>T. VCF-style: chr4-56489452-C-T. GRCh37 (hg19) VCF-style: chr4-57355618-C-T.
Other names: c.1106C>T, p.Thr369Ile (NM_001267722.2); short protein forms T430I, T369I.
Identifiers: ClinVar variation 4589613 (VCV004589613.1).
Genomic context (GRCh38, chr4:56,489,452, plus strand): 5'-CTGCATTAGTTACCATGTATAGCCATGAAGAAGATATTGATAGTGCCATTGAGGTCTTCA[C>T]ACAAGCTATCCAGTGGTATCAAAACCATCAGGTAAATAAATGGAGTAAAATGTTATGAGA-3'
Protein context (NP_008878.3, residues 420-440): EDIDSAIEVF[Thr430Ile]QAIQWYQNHQ

ClinVar aggregate classification (germline): Uncertain significance (1 of 4 stars; one submission).

Submission:

Ambry Genetics
Classification: Uncertain significance. Last evaluated: 2025-10-27. Review status: criteria provided, single submitter. Criteria: Ambry Variant Classification Scheme 2023. Collection method: clinical testing. Allele origin: germline.
Comment: The p.T430I variant (also known as c.1289C>T), located in coding exon 13 of the SRP72 gene, results from a C to T substitution at nucleotide position 1289. The threonine at codon 430 is replaced by isoleucine, an amino acid with similar properties. This amino acid position is conserved. In addition, this alteration is predicted to be tolerated by in silico analysis. Based on the available evidence, the clinical significance of this variant remains unclear.